The following is an entry in ClinVar:

NM_006767.4(LZTR1):c.1814A>G (p.Glu605Gly)

Gene: LZTR1 (leucine zipper like post translational regulator 1; plus strand). Cytogenetic location: 22q11.21.
Variant type: single nucleotide variant.
Coding change: c.1814A>G on transcript NM_006767.4 (MANE Select); coding-DNA position 1814, A replaced by G.
Protein change: p.Glu605Gly; replaces glutamic acid 605 with glycine.
Molecular consequence: missense variant.
Genome position (GRCh38, 1-based): chr22:20,994,898, A>G. VCF-style: chr22-20994898-A-G. GRCh37 (hg19) VCF-style: chr22-21349187-A-G.
Other names: c.1814A>G (NM_006767.3); short protein forms E605G.
Identifiers: ClinVar variation 2888759 (VCV002888759.4), dbSNP rs1485624337, ClinGen allele CA410778509.

ClinVar aggregate classification (germline): Uncertain significance. Review status: criteria provided, multiple submitters, no conflicts (2 of 4 stars). 2 submissions from 2 submitters: Uncertain significance (2). Last evaluated 2025-12-23.

Conditions:
Hereditary cancer-predisposing syndrome. Also called: Neoplastic Syndromes, Hereditary; Hereditary neoplastic syndrome; Tumor predisposition; Hereditary Cancer Syndrome. Identifiers: Orphanet 140162, MedGen C0027672, MeSH D009386, MONDO:0015356.
Cardiovascular phenotype. Identifiers: MedGen CN230736.

Allele frequency attached by ClinVar (database versions not stated): gnomAD exomes below 0.00001.
gnomAD v4.1: 1 of 1,613,366 alleles (0.000062%); highest among the groups gnomAD compares: Admixed American, 0.0017%; no homozygotes.

Submissions (2):

Labcorp Genetics (formerly Invitae), Labcorp
Classification: Uncertain significance. Last evaluated: 2025-12-23. Review status: criteria provided, single submitter. Criteria: Invitae Variant Classification Sherloc (09022015). Collection method: clinical testing. Allele origin: germline.
Comment: This sequence change replaces glutamic acid, which is acidic and polar, with glycine, which is neutral and non-polar, at codon 605 of the LZTR1 protein (p.Glu605Gly). This variant is present in population databases (no rsID available, gnomAD 0.003%). This variant has not been reported in the literature in individuals affected with LZTR1-related conditions. ClinVar contains an entry for this variant (Variation ID: 2888759). Invitae Evidence Modeling of protein sequence and biophysical properties (such as structural, functional, and spatial information, amino acid conservation, physicochemical variation, residue mobility, and thermodynamic stability) indicates that this missense variant is not expected to disrupt LZTR1 protein function with a negative predictive value of 80%. In summary, the available evidence is currently insufficient to determine the role of this variant in disease. Therefore, it has been classified as a Variant of Uncertain Significance.

Ambry Genetics
Classification: Uncertain significance for Cardiovascular phenotype; Hereditary cancer-predisposing syndrome. Last evaluated: 2023-08-26. Review status: criteria provided, single submitter. Criteria: Ambry Variant Classification Scheme 2023. Collection method: clinical testing. Allele origin: germline.
Comment: The p.E605G variant (also known as c.1814A>G), located in coding exon 16 of the LZTR1 gene, results from an A to G substitution at nucleotide position 1814. The glutamic acid at codon 605 is replaced by glycine, an amino acid with similar properties. This amino acid position is conserved. In addition, the in silico prediction for this alteration is inconclusive. Since supporting evidence is limited at this time, the clinical significance of this alteration remains unclear.